The following is an entry in ClinVar:

NM_015122.3(FCHO1):c.1157G>A (p.Ser386Asn)

Gene: FCHO1 (FCH and mu domain containing endocytic adaptor 1; plus strand). Cytogenetic location: 19p13.11.
Variant type: single nucleotide variant.
Coding change: c.1157G>A on transcript NM_015122.3 (MANE Select); coding-DNA position 1157, G replaced by A.
Protein change: p.Ser386Asn; replaces serine 386 with asparagine.
Molecular consequence: missense variant. On other transcripts: non-coding transcript variant (36).
Genome position (GRCh38, 1-based): chr19:17,776,136, G>A. VCF-style: chr19-17776136-G-A. GRCh37 (hg19) VCF-style: chr19-17886945-G-A.
Other names: c.1157G>A, p.Ser386Asn (NM_001384373.1, NM_001384374.1, NM_001384391.1 and 25 more transcripts); c.1118G>A, p.Ser373Asn (NM_001384389.1, NM_001384405.1, NM_001384388.1); c.1082G>A, p.Ser361Asn (NM_001384390.1); c.1007G>A, p.Ser336Asn (NM_001384406.1, NM_001384407.1, NM_001161359.2 and 3 more transcripts); c.1112G>A, p.Ser371Asn (NM_001384403.1); short protein forms S361N, S371N, S373N, S336N, S386N.
Identifiers: ClinVar variation 3646835 (VCV003646835.2).
Genomic context (GRCh38, chr19:17,776,136, plus strand): 5'-CCCGGGCTCCAGCCTGCAGCCCCGAGGCAGCAGCGGCACAGCTCAGGGCCACCGCGGGCA[G>A]CCTCATCCTTCCTCCTGGCCCAGGGGTGAGGCGTGGGAGGGGTGCCCTGGGTGTTGCTAG-3'
Protein context (NP_055937.1, residues 376-396): AAAQLRATAG[Ser386Asn]LILPPGPGGT

ClinVar aggregate classification (germline): Uncertain significance (1 of 4 stars; one submission).

Submission:

Labcorp Genetics (formerly Invitae), Labcorp
Classification: Uncertain significance. Last evaluated: 2024-03-19. Review status: criteria provided, single submitter. Criteria: Invitae Variant Classification Sherloc (09022015). Collection method: clinical testing. Allele origin: germline.
Comment: This sequence change replaces serine, which is neutral and polar, with asparagine, which is neutral and polar, at codon 386 of the FCHO1 protein (p.Ser386Asn). This variant is not present in population databases (gnomAD no frequency). This variant has not been reported in the literature in individuals affected with FCHO1-related conditions. Algorithms developed to predict the effect of missense changes on protein structure and function output the following: SIFT: "Not Available"; PolyPhen-2: "Benign"; Align-GVGD: "Not Available". The asparagine amino acid residue is found in multiple mammalian species, which suggests that this missense change does not adversely affect protein function. In summary, the available evidence is currently insufficient to determine the role of this variant in disease. Therefore, it has been classified as a Variant of Uncertain Significance.